The following is an entry in ClinVar:

ClinVar aggregate classification (germline): Likely pathogenic (1 of 4 stars; one submission).

Submission:

Labcorp Genetics (formerly Invitae), Labcorp
Classification: Likely pathogenic. Last evaluated: 2021-11-27. Review status: criteria provided, single submitter. Criteria: Invitae Variant Classification Sherloc (09022015). Collection method: clinical testing. Allele origin: germline.
Comment: In summary, the currently available evidence indicates that the variant is pathogenic, but additional data are needed to prove that conclusively. Therefore, this variant has been classified as Likely Pathogenic. Algorithms developed to predict the effect of sequence changes on RNA splicing suggest that this variant may disrupt the consensus splice site. This variant has not been reported in the literature in individuals affected with DOCK6-related conditions. This variant is not present in population databases (gnomAD no frequency). This sequence change affects an acceptor splice site in intron 22 of the DOCK6 gene. It is expected to disrupt RNA splicing. Variants that disrupt the donor or acceptor splice site typically lead to a loss of protein function (PMID: 16199547), and loss-of-function variants in DOCK6 are known to be pathogenic (PMID: 21820096, 25824905).

Literature cited by the submitters: PubMed 16199547; PubMed 21820096; PubMed 25824905.

NM_020812.4(DOCK6):c.2719-1G>C

Gene: DOCK6 (dedicator of cytokinesis 6; minus strand). Cytogenetic location: 19p13.2.
Variant type: single nucleotide variant.
Coding change: c.2719-1G>C on transcript NM_020812.4 (MANE Select); the canonical splice acceptor site of the intron before coding-DNA position 2719, G replaced by C.
Molecular consequence: splice acceptor variant.
Genome position (GRCh38, 1-based): chr19:11,229,036, C>G on the plus strand (G>C on the coding strand, the complement: DOCK6 is on the minus strand). VCF-style: chr19-11229036-C-G. GRCh37 (hg19) VCF-style: chr19-11339712-C-G.
Other names: c.2824-1G>C (NM_001367830.1).
Identifiers: ClinVar variation 1467749 (VCV001467749.6), dbSNP rs2147805055, ClinGen allele CA404094210.